The following is an entry in ClinVar:

NM_003850.3(SUCLA2):c.534+104A>G

Gene: SUCLA2 (succinate-CoA ligase ADP-forming subunit beta; minus strand). Cytogenetic location: 13q14.2.
Variant type: single nucleotide variant.
Coding change: c.534+104A>G on transcript NM_003850.3 (MANE Select); 104 bases into the intron after coding-DNA position 534, A replaced by G.
Molecular consequence: intron variant.
Genome position (GRCh38, 1-based): chr13:47,988,437, T>C on the plus strand (A>G on the coding strand, the complement: SUCLA2 is on the minus strand). VCF-style: chr13-47988437-T-C. GRCh37 (hg19) VCF-style: chr13-48562572-T-C.
Identifiers: ClinVar variation 676457 (VCV000676457.2), dbSNP rs115177648, ClinGen allele CA249276842.
Genomic context (GRCh38, chr13:47,988,437, plus strand): 5'-AAAGAAGCTGTTTTTTAAATGACATAAATATCATGCTCATGACATACAAACAGATTATAA[T>C]TTGTACTTTTAAAATCTTTCCCACATAAATAGAAACAATAATGGACTTTTGAAATTGAAT-3'

ClinVar aggregate classification (germline): Likely benign. Review status: criteria provided, multiple submitters, no conflicts (2 of 4 stars). 2 submissions from 2 submitters: Likely benign (2). Last evaluated 2018-06-16.

Allele frequency attached by ClinVar (database versions not stated): TOPMed 0.02613; gnomAD 0.02649 and 0.02847; gnomAD exomes 0.02893; 1000 Genomes Project 30x 0.03888; 1000 Genomes Project 0.03994.
gnomAD v4.1: 38,510 of 1,332,558 alleles (2.9%); highest among the groups gnomAD compares: South Asian, 7.9%; 818 homozygotes.

Submissions (2):

GeneDx
Classification: Likely benign. Last evaluated: 2018-06-16. Review status: criteria provided, single submitter. Criteria: GeneDx Variant Classification (06012015). Collection method: clinical testing. Allele origin: germline. Affected: yes.
Comment: This variant is considered likely benign or benign based on one or more of the following criteria: it is a conservative change, it occurs at a poorly conserved position in the protein, it is predicted to be benign by multiple in silico algorithms, and/or has population frequency not consistent with disease.

Breakthrough Genomics
Classification: Likely benign. Review status: criteria provided, single submitter. Criteria: ACMG Guidelines, 2015. Collection method: not provided. Allele origin: germline. Inheritance: Autosomal recessive inheritance. Affected: yes.